The following is an entry in ClinVar:

ClinVar aggregate classification (germline): Uncertain significance (1 of 4 stars; one submission).

Conditions:
Multiple epiphyseal dysplasia type 5 (EDM5). Also called: MATN3-Related Multiple Epiphyseal Dysplasia; Microepiphyseal dysplasia, bilateral hereditary. Identifiers: Orphanet 93311, MedGen C1846843, MONDO:0011765, OMIM 607078.
Spondyloepimetaphyseal dysplasia, matrilin-3 type (SEMDBCD). Also called: SEMD, MATN3-RELATED; Spondyloepimetaphyseal dysplasia, MATN3-related. Identifiers: Orphanet 156728, MedGen C1837481, MONDO:0012108, OMIM 608728.
Osteoarthritis susceptibility 2 (OS2). Identifiers: MedGen C3887526, MONDO:0007704, OMIM 140600.

Submission:

Juno Genomics, Hangzhou Juno Genomics, Inc
Classification: Uncertain significance for Osteoarthritis susceptibility 2; Multiple epiphyseal dysplasia type 5; Spondyloepimetaphyseal dysplasia, matrilin-3 type. Review status: criteria provided, single submitter. Criteria: ACMG Guidelines, 2015. Collection method: clinical testing. Allele origin: germline.
Comment: Absent from controls (or at extremely low frequency if recessive) in Genome Aggregation Database.;Protein length changes due to in-frame deletions/insertions in a non-repeat region or stop-loss variants.

NM_002381.5(MATN3):c.1423_1425del (p.Lys475del)

Genes: MATN3 (matrilin 3; minus strand), WDR35-DT (WDR35 divergent transcript; plus strand). Cytogenetic location: 2p24.1.
Variant type: Deletion.
Coding change: c.1423_1425del on transcript NM_002381.5 (MANE Select); coding-DNA positions 1423 to 1425, 3 bases deleted (AAG; older notation c.1423_1425delAAG).
Protein change: p.Lys475del; deletes lysine 475.
Molecular consequence: inframe deletion.
Genome position (GRCh38, 1-based): chr2:19,993,147-19,993,149, CTT deleted on the plus strand (AAG on the coding strand, the reverse complement: MATN3 is on the minus strand); deleting any 3 consecutive bases within chr2:19,993,147-19,993,151 gives the same sequence; the c. name uses the placement nearest the transcript's 3' end. VCF-style (leftmost placement, unchanged base first): chr2-19993146-ACTT-A. GRCh37 (hg19) VCF-style: chr2-20192907-ACTT-A.
Other names: short protein forms K475del.
Identifiers: ClinVar variation 5006191 (VCV005006191.2).